The following is an entry in ClinVar:

NM_144997.7(FLCN):c.845C>T (p.Thr282Ile)

Gene: FLCN (folliculin; minus strand). Cytogenetic location: 17p11.2.
Variant type: single nucleotide variant.
Coding change: c.845C>T on transcript NM_144997.7 (MANE Select); coding-DNA position 845, C replaced by T.
Protein change: p.Thr282Ile; replaces threonine 282 with isoleucine.
Molecular consequence: missense variant.
Genome position (GRCh38, 1-based): chr17:17,221,563, G>A on the plus strand (C>T on the coding strand, the complement: FLCN is on the minus strand). VCF-style: chr17-17221563-G-A. GRCh37 (hg19) VCF-style: chr17-17124877-G-A.
Other names: c.899C>T, p.Thr300Ile (NM_001353229.2); c.845C>T, p.Thr282Ile (NM_001353230.2, NM_001353231.2, NM_144606.7); short protein forms T300I, T282I.
Identifiers: ClinVar variation 822463 (VCV000822463.12), dbSNP rs758884167, ClinGen allele CA8416275.

ClinVar aggregate classification (germline): Uncertain significance. Review status: criteria provided, multiple submitters, no conflicts (2 of 4 stars). 2 submissions from 2 submitters: Uncertain significance (2). Last evaluated 2025-08-18.

Conditions:
Hereditary cancer-predisposing syndrome. Also called: Hereditary Cancer Syndrome; Neoplastic Syndromes, Hereditary; Hereditary neoplastic syndrome; Tumor predisposition. Identifiers: Orphanet 140162, MedGen C0027672, MeSH D009386, MONDO:0015356.
Birt-Hogg-Dube syndrome. Also called: Birt Hogg Dubé syndrome. Identifiers: Orphanet 122, MedGen C0346010, MONDO:0800444.

Allele frequency attached by ClinVar (database versions not stated): gnomAD exomes below 0.00001; ExAC 0.00001; gnomAD 0.00001; TOPMed 0.00001.

Submissions (2):

Labcorp Genetics (formerly Invitae), Labcorp
Classification: Uncertain significance for Birt-Hogg-Dube syndrome. Last evaluated: 2025-08-18. Review status: criteria provided, single submitter. Criteria: Invitae Variant Classification Sherloc (09022015). Collection method: clinical testing. Allele origin: germline.
Comment: This sequence change replaces threonine, which is neutral and polar, with isoleucine, which is neutral and non-polar, at codon 282 of the FLCN protein (p.Thr282Ile). This variant is present in population databases (rs758884167, gnomAD 0.007%). This variant has not been reported in the literature in individuals affected with FLCN-related conditions. ClinVar contains an entry for this variant (Variation ID: 822463). Invitae Evidence Modeling of protein sequence and biophysical properties (such as structural, functional, and spatial information, amino acid conservation, physicochemical variation, residue mobility, and thermodynamic stability) indicates that this missense variant is not expected to disrupt FLCN protein function with a negative predictive value of 80%. In summary, the available evidence is currently insufficient to determine the role of this variant in disease. Therefore, it has been classified as a Variant of Uncertain Significance.

Ambry Genetics
Classification: Uncertain significance for Hereditary cancer-predisposing syndrome. Last evaluated: 2024-08-19. Review status: criteria provided, single submitter. Criteria: Ambry Variant Classification Scheme 2023. Collection method: clinical testing. Allele origin: germline.
Comment: The p.T282I variant (also known as c.845C>T), located in coding exon 5 of the FLCN gene, results from a C to T substitution at nucleotide position 845. The threonine at codon 282 is replaced by isoleucine, an amino acid with similar properties. This amino acid position is highly conserved in available vertebrate species. In addition, this alteration is predicted to be deleterious by in silico analysis. Based on the available evidence, the clinical significance of this variant remains unclear.